The following is an entry in ClinVar:

NM_004168.4(SDHA):c.1552-9G>A

Gene: SDHA (succinate dehydrogenase complex flavoprotein subunit A; plus strand). Cytogenetic location: 5p15.33.
Variant type: single nucleotide variant.
Coding change: c.1552-9G>A on transcript NM_004168.4 (MANE Select); 9 bases into the intron before coding-DNA position 1552, G replaced by A.
Molecular consequence: intron variant.
Genome position (GRCh38, 1-based): chr5:250,983, G>A. VCF-style: chr5-250983-G-A. GRCh37 (hg19) VCF-style: chr5-251098-G-A.
Other names: c.1552-3410G>A (NM_001330758.2); c.1408-9G>A (NM_001294332.2).
Identifiers: ClinVar variation 1122329 (VCV001122329.10), dbSNP rs765624219, ClinGen allele CA3173296.

ClinVar aggregate classification (germline): Likely benign. Review status: criteria provided, multiple submitters, no conflicts (2 of 4 stars). 2 submissions from 2 submitters: Likely benign (2). Last evaluated 2025-03-10.

Conditions:
Pheochromocytoma/paraganglioma syndrome 5. Also called: Paragangliomas 5; SDHA-Related Hereditary Paraganglioma-Pheochromocytoma Syndrome. Identifiers: Orphanet 29072, MedGen C3279992, MONDO:0013602, OMIM 614165.
Mitochondrial complex II deficiency, nuclear type 1. Also called: SUCCINATE CoQ REDUCTASE DEFICIENCY. Identifiers: Orphanet 3208, MedGen C5700310, MONDO:0100294, OMIM 252011.

Allele frequency attached by ClinVar (database versions not stated): gnomAD exomes 0.00001; TOPMed 0.00001; gnomAD 0.00002; ExAC 0.00003.
gnomAD v4.1: 17 of 1,609,524 alleles (0.0011%); highest among the groups gnomAD compares: South Asian, 0.014%; no homozygotes.

Submissions (2):

Myriad Genetics, Inc.
Classification: Likely benign for Pheochromocytoma/paraganglioma syndrome 5. Last evaluated: 2025-03-10. Review status: criteria provided, single submitter. Criteria: Myriad Autosomal Dominant, Autosomal Recessive and X-Linked Classification Criteria (2023). Collection method: clinical testing. Allele origin: unknown.
Comment: This variant is considered likely benign. This variant is intronic and is not expected to impact mRNA splicing.

Labcorp Genetics (formerly Invitae), Labcorp
Classification: Likely benign for Pheochromocytoma/paraganglioma syndrome 5; Mitochondrial complex II deficiency, nuclear type 1. Last evaluated: 2025-02-15. Review status: criteria provided, single submitter. Criteria: Invitae Variant Classification Sherloc (09022015). Collection method: clinical testing. Allele origin: germline.